The following is an entry in ClinVar:

NM_015512.5(DNAH1):c.2087C>A (p.Ala696Asp)

Gene: DNAH1 (dynein axonemal heavy chain 1; plus strand). Cytogenetic location: 3p21.1.
Variant type: single nucleotide variant.
Coding change: c.2087C>A on transcript NM_015512.5 (MANE Select); coding-DNA position 2087, C replaced by A.
Protein change: p.Ala696Asp; replaces alanine 696 with aspartic acid.
Molecular consequence: missense variant.
Genome position (GRCh38, 1-based): chr3:52,347,955, C>A. VCF-style: chr3-52347955-C-A. GRCh37 (hg19) VCF-style: chr3-52381971-C-A.
Other names: short protein forms A696D.
Identifiers: ClinVar variation 2926018 (VCV002926018.3), dbSNP rs1270164557, ClinGen allele CA353097782.
Genomic context (GRCh38, chr3:52,347,955, plus strand): 5'-TGGAGCAGTTTGAGGCATCTCTGCTGAACCTCTTCGACAAGGGCATCCTGGCCACCCATG[C>A]CGTGCCCCAGCTGGAGAAGGTACGTGCTGCAGCCTGAGCAGGCCCCAGGCACCTGCTGCC-3'
Protein context (NP_056327.4, residues 686-706): LFDKGILATH[Ala696Asp]VPQLEKLVME

ClinVar aggregate classification (germline): Uncertain significance (1 of 4 stars; one submission).

Conditions:
Spermatogenic failure 18. Identifiers: MedGen C4539783, MONDO:0054615, OMIM 617576.
Ciliary dyskinesia, primary, 37 (CILD37). Also called: CILIARY DYSKINESIA, PRIMARY, 37, WITH OR WITHOUT SITUS INVERSUS. Identifiers: MedGen C4539798, MONDO:0033204, OMIM 617577.

Allele frequency attached by ClinVar (database versions not stated): gnomAD exomes below 0.00001.
gnomAD v4.1: 2 of 1,609,572 alleles (0.00012%); highest among the groups gnomAD compares: African/African-American, 0.0013%; no homozygotes.

Submission:

Labcorp Genetics (formerly Invitae), Labcorp
Classification: Uncertain significance for Ciliary dyskinesia, primary, 37; Spermatogenic failure 18. Last evaluated: 2023-11-14. Review status: criteria provided, single submitter. Criteria: Invitae Variant Classification Sherloc (09022015). Collection method: clinical testing. Allele origin: germline.
Comment: This sequence change replaces alanine, which is neutral and non-polar, with aspartic acid, which is acidic and polar, at codon 696 of the DNAH1 protein (p.Ala696Asp). This variant is not present in population databases (gnomAD no frequency). This variant has not been reported in the literature in individuals affected with DNAH1-related conditions. Advanced modeling of protein sequence and biophysical properties (such as structural, functional, and spatial information, amino acid conservation, physicochemical variation, residue mobility, and thermodynamic stability) performed at Invitae indicates that this missense variant is not expected to disrupt DNAH1 protein function with a negative predictive value of 80%. In summary, the available evidence is currently insufficient to determine the role of this variant in disease. Therefore, it has been classified as a Variant of Uncertain Significance.